The following is an entry in ClinVar:

ClinVar aggregate classification (germline): Pathogenic (1 of 4 stars; one submission).

Conditions:
Ectodermal dysplasia 11A, hypohidrotic/hair/tooth type, autosomal dominant. Identifiers: Orphanet 1810, Orphanet 238468, MedGen C3541517, MONDO:0013982, OMIM 614940.
Ectodermal dysplasia 11B, hypohidrotic/hair/tooth type, autosomal recessive. Identifiers: Orphanet 238468, Orphanet 248, MedGen C3539920, MONDO:0013983, OMIM 614941.

Allele frequency attached by ClinVar (database versions not stated): gnomAD exomes below 0.00001 and 0.00001; gnomAD 0.00001; TOPMed 0.00001.
gnomAD v4.1: 6 of 1,614,062 alleles (0.00037%); highest among the groups gnomAD compares: Admixed American, 0.0083%; no homozygotes.

Submission:

Labcorp Genetics (formerly Invitae), Labcorp
Classification: Pathogenic for Ectodermal dysplasia 11B, hypohidrotic/hair/tooth type, autosomal recessive; Ectodermal dysplasia 11A, hypohidrotic/hair/tooth type, autosomal dominant. Last evaluated: 2022-08-15. Review status: criteria provided, single submitter. Criteria: Invitae Variant Classification Sherloc (09022015). Collection method: clinical testing. Allele origin: germline.
Comment: This sequence change creates a premature translational stop signal (p.Trp139*) in the EDARADD gene. While this is not anticipated to result in nonsense mediated decay, it is expected to disrupt the last 77 amino acid(s) of the EDARADD protein. This variant is present in population databases (no rsID available, gnomAD 0.006%). This premature translational stop signal has been observed in individual(s) with autosomal recessive hypohidrotic ectodermal dysplasia (Invitae). ClinVar contains an entry for this variant (Variation ID: 473077). This variant disrupts a region of the EDARADD protein in which other variant(s) (p.Glu142Lys) have been observed in individuals with EDARADD-related conditions (PMID: 11780064). This suggests that this is a clinically significant region of the protein, and that variants that disrupt it are likely to be disease-causing. For these reasons, this variant has been classified as Pathogenic.

Literature cited by the submitters: PubMed 11780064.

NM_145861.4(EDARADD):c.417G>A (p.Trp139Ter)

Gene: EDARADD (EDAR associated via death domain; plus strand). Cytogenetic location: 1q43.
Variant type: single nucleotide variant.
Coding change: c.417G>A on transcript NM_145861.4 (MANE Select); coding-DNA position 417, G replaced by A.
Protein change: p.Trp139Ter; replaces tryptophan 139 with a stop codon.
Molecular consequence: nonsense.
Genome position (GRCh38, 1-based): chr1:236,482,418, G>A. VCF-style: chr1-236482418-G-A. GRCh37 (hg19) VCF-style: chr1-236645718-G-A.
Other names: c.351G>A, p.Trp117Ter (NM_001422628.1); c.387G>A, p.Trp129Ter (NM_080738.5); short protein forms W139*, W129*, W117*.
Identifiers: ClinVar variation 473077 (VCV000473077.17), dbSNP rs954823206, ClinGen allele CA39702043.
Genomic context (GRCh38, chr1:236,482,418, plus strand): 5'-GGACTTACTAGACGTGATCAGGATAAAGCTGGATCCGTGTCACCCAACGGTGAAAAACTG[G>A]AGGAATTTTGCAAGCAAATGGGGGATGTCCTATGACGAATTGTGCTTCCTGGAGCAGAGG-3'